The following is an entry in ClinVar:

ClinVar aggregate classification (germline): Uncertain significance (1 of 4 stars; one submission).

Conditions:
Neurofibromatosis, type 1 (NF1). Also called: VON RECKLINGHAUSEN DISEASE; NEUROFIBROMATOSIS, TYPE I, SOMATIC; Peripheral type neurofibromatosis; Neurofibromatosis, type I. Identifiers: Orphanet 636, MedGen C0027831, MONDO:0018975, OMIM 162200. Disease mechanism: loss of function.

Submission:

Labcorp Genetics (formerly Invitae), Labcorp
Classification: Uncertain significance for Neurofibromatosis, type 1. Last evaluated: 2025-06-11. Review status: criteria provided, single submitter. Criteria: Invitae Variant Classification Sherloc (09022015). Collection method: clinical testing. Allele origin: germline.
Comment: This sequence change replaces alanine, which is neutral and non-polar, with valine, which is neutral and non-polar, at codon 1177 of the NF1 protein (p.Ala1177Val). This variant is not present in population databases (gnomAD no frequency). This variant has not been reported in the literature in individuals affected with NF1-related conditions. ClinVar contains an entry for this variant (Variation ID: 662684). Invitae Evidence Modeling of protein sequence and biophysical properties (such as structural, functional, and spatial information, amino acid conservation, physicochemical variation, residue mobility, and thermodynamic stability) indicates that this missense variant is not expected to disrupt NF1 protein function with a negative predictive value of 95%. In summary, the available evidence is currently insufficient to determine the role of this variant in disease. Therefore, it has been classified as a Variant of Uncertain Significance.

NM_001042492.3(NF1):c.3530C>T (p.Ala1177Val)

Gene: NF1 (neurofibromin 1; plus strand). Cytogenetic location: 17q11.2.
Variant type: single nucleotide variant.
Coding change: c.3530C>T on transcript NM_001042492.3 (MANE Select); coding-DNA position 3530, C replaced by T.
Protein change: p.Ala1177Val; replaces alanine 1177 with valine.
Molecular consequence: missense variant.
Genome position (GRCh38, 1-based): chr17:31,233,035, C>T. VCF-style: chr17-31233035-C-T. GRCh37 (hg19) VCF-style: chr17-29560053-C-T.
Other names: c.3530C>T, p.Ala1177Val (NM_000267.4); short protein forms A1177V.
Identifiers: ClinVar variation 662684 (VCV000662684.5), dbSNP rs1597719920, ClinGen allele CA398989846.